The following is an entry in ClinVar:

NM_001160372.4(TRAPPC9):c.1040C>T (p.Ala347Val)

Gene: TRAPPC9 (trafficking protein particle complex subunit 9; minus strand). Cytogenetic location: 8q24.3.
Variant type: single nucleotide variant.
Coding change: c.1040C>T on transcript NM_001160372.4 (MANE Select); coding-DNA position 1040, C replaced by T.
Protein change: p.Ala347Val; replaces alanine 347 with valine.
Molecular consequence: missense variant. On other transcripts: non-coding transcript variant (1).
Genome position (GRCh38, 1-based): chr8:140,397,714, G>A on the plus strand (C>T on the coding strand, the complement: TRAPPC9 is on the minus strand). VCF-style: chr8-140397714-G-A. GRCh37 (hg19) VCF-style: chr8-141407813-G-A.
Other names: c.1013C>T, p.Ala338Val (NM_001321646.2); c.1061C>T, p.Ala354Val (NM_001374682.1); c.1040C>T, p.Ala347Val (NM_001374683.1, NM_001374684.1, NM_031466.8); c.1334C>T (NM_031466.5); short protein forms A338V, A347V, A354V.
Identifiers: ClinVar variation 2415369 (VCV002415369.28), dbSNP rs372305410, ClinGen allele CA4893556.

ClinVar aggregate classification (germline): Uncertain significance. Review status: criteria provided, multiple submitters, no conflicts (2 of 4 stars). 4 submissions from 4 submitters: Uncertain significance (4). Last evaluated 2025-09-28.

Conditions:
Inborn genetic diseases. Identifiers: MedGen C0950123, MeSH D030342.

Allele frequency attached by ClinVar (database versions not stated): gnomAD 0.00003; TOPMed 0.00004; ExAC 0.00006; gnomAD exomes 0.00006; ESP Exome Variant Server 0.00015; 1000 Genomes Project 0.00020; 1000 Genomes Project 30x 0.00031.
gnomAD v4.1: 87 of 1,614,102 alleles (0.0054%); highest among the groups gnomAD compares: Non-Finnish European, 0.0069%; no homozygotes.

Submissions (4):

Ambry Genetics
Classification: Uncertain significance for Inborn genetic diseases. Last evaluated: 2025-09-28. Review status: criteria provided, single submitter. Criteria: Ambry Variant Classification Scheme 2023. Collection method: clinical testing. Allele origin: germline.

CeGaT Center for Human Genetics Tuebingen
Classification: Uncertain significance. Last evaluated: 2023-04-01. Review status: criteria provided, single submitter. Criteria: CeGaT Center For Human Genetics Tuebingen Variant Classification Criteria Version 2. Collection method: clinical testing. Allele origin: germline. Affected: yes. Observed: 1 variant allele.

GeneDx
Classification: Uncertain significance. Last evaluated: 2022-12-21. Review status: criteria provided, single submitter. Criteria: GeneDx Variant Classification Process June 2021. Collection method: clinical testing. Allele origin: germline. Affected: yes.
Comment: Not observed at significant frequency in large population cohorts (gnomAD); In silico analysis supports that this missense variant has a deleterious effect on protein structure/function; Has not been previously published as pathogenic or benign to our knowledge

Labcorp Genetics (formerly Invitae), Labcorp
Classification: Uncertain significance. Last evaluated: 2022-05-14. Review status: criteria provided, single submitter. Criteria: Invitae Variant Classification Sherloc (09022015). Collection method: clinical testing. Allele origin: germline.
Comment: This sequence change replaces alanine, which is neutral and non-polar, with valine, which is neutral and non-polar, at codon 445 of the TRAPPC9 protein (p.Ala445Val). This variant is present in population databases (rs372305410, gnomAD 0.009%). This variant has not been reported in the literature in individuals affected with TRAPPC9-related conditions. Algorithms developed to predict the effect of missense changes on protein structure and function are either unavailable or do not agree on the potential impact of this missense change (SIFT: "Not Available"; PolyPhen-2: "Possibly Damaging"; Align-GVGD: "Not Available"). In summary, the available evidence is currently insufficient to determine the role of this variant in disease. Therefore, it has been classified as a Variant of Uncertain Significance.